The following is an entry in ClinVar:

ClinVar aggregate classification (germline): Conflicting classifications of pathogenicity. Review status: criteria provided, conflicting classifications (1 of 4 stars). 2 submissions from 2 submitters: Pathogenic (1); Uncertain significance (1). Last evaluated 2024-10-10.

Allele frequency attached by ClinVar (database versions not stated): gnomAD exomes below 0.00001.
gnomAD v4.1: 4 of 1,613,802 alleles (0.00025%); highest among the groups gnomAD compares: East Asian, 0.0022%; no homozygotes.

Submissions (2):

Labcorp Genetics (formerly Invitae), Labcorp
Classification: Pathogenic. Last evaluated: 2024-10-10. Review status: criteria provided, single submitter. Criteria: Invitae Variant Classification Sherloc (09022015). Collection method: clinical testing. Allele origin: germline.
Comment: This sequence change creates a premature translational stop signal (p.Arg325*) in the POLG2 gene. It is expected to result in an absent or disrupted protein product. Loss-of-function variants in POLG2 are known to be pathogenic (PMID: 28078310, 29625556). This variant is present in population databases (no rsID available, gnomAD no frequency). This variant has not been reported in the literature in individuals affected with POLG2-related conditions. For these reasons, this variant has been classified as Pathogenic.

GeneDx
Classification: Uncertain significance. Last evaluated: 2024-04-29. Review status: criteria provided, single submitter. Criteria: GeneDx Variant Classification Process June 2021. Collection method: clinical testing. Allele origin: germline. Affected: yes.
Comment: Not observed at significant frequency in large population cohorts (gnomAD); Deletion involving a gene for which loss of function is not a known mechanism of disease; Has not been previously published as pathogenic or benign to our knowledge

Literature cited by the submitters: PubMed 28078310 (cited by Labcorp Genetics (formerly Invitae), Labcorp); PubMed 29625556 (cited by Labcorp Genetics (formerly Invitae), Labcorp).

NM_007215.4(POLG2):c.973C>T (p.Arg325Ter)

Genes: MILR1 (mast cell immunoglobulin like receptor 1; plus strand), POLG2 (DNA polymerase gamma 2, accessory subunit; minus strand). Cytogenetic location: 17q23.3.
Variant type: single nucleotide variant.
Coding change: c.973C>T on transcript NM_007215.4 (MANE Select); coding-DNA position 973, C replaced by T.
Protein change: p.Arg325Ter; replaces arginine 325 with a stop codon.
Molecular consequence: nonsense.
Genome position (GRCh38, 1-based): chr17:64,485,865, G>A on the plus strand (C>T on the coding strand, the complement: POLG2 is on the minus strand). VCF-style: chr17-64485865-G-A. GRCh37 (hg19) VCF-style: chr17-62481982-G-A.
Other names: short protein forms R325*.
Identifiers: ClinVar variation 3253315 (VCV003253315.3), dbSNP rs1555667383.